The following is an entry in ClinVar:

ClinVar aggregate classification (germline): Likely benign (1 of 4 stars; one submission).

Conditions:
PFKP-related disorder. Also called: PFKP-related condition.

gnomAD v4.1: 21 of 1,609,118 alleles (0.0013%); highest among the groups gnomAD compares: Middle Eastern, 0.049%; no homozygotes.

Submission:

PreventionGenetics, part of Exact Sciences
Classification: Likely benign for PFKP-related condition. Last evaluated: 2025-08-27. Review status: criteria provided, single submitter. Criteria: ACMG Guidelines, 2015. Collection method: clinical testing. Allele origin: germline.
Comment: This variant is classified as likely benign based on ACMG/AMP sequence variant interpretation guidelines (Richards et al. 2015 PMID: 25741868, with internal and published modifications).

NM_002627.5(PFKP):c.1284C>G (p.Ala428=)

Gene: PFKP (phosphofructokinase, platelet; plus strand). Cytogenetic location: 10p15.2.
Variant type: single nucleotide variant.
Coding change: c.1284C>G on transcript NM_002627.5 (MANE Select); coding-DNA position 1284, C replaced by G.
Protein change: p.Ala428=; no amino-acid change (alanine 428 retained).
Molecular consequence: synonymous variant.
Genome position (GRCh38, 1-based): chr10:3,113,431, C>G. VCF-style: chr10-3113431-C-G. GRCh37 (hg19) VCF-style: chr10-3155623-C-G.
Other names: c.1260C>G, p.Ala420= (NM_001242339.2); c.1203C>G, p.Ala401= (NM_001323067.2); c.1284C>G, p.Ala428= (NM_001323068.2, NM_001410880.1); c.777C>G, p.Ala259= (NM_001323069.2); c.636C>G, p.Ala212= (NM_001323070.1, NM_001323073.1, NM_001323074.1); c.1170C>G, p.Ala390= (NM_001323071.2, NM_001323072.2, NM_001345944.1).
Identifiers: ClinVar variation 4981020 (VCV004981020.1).
Genomic context (GRCh38, chr10:3,113,431, plus strand): 5'-GACCAATTGCAACGTAGCTGTCATCAACGTGGGGGCACCCGCGGCTGGGATGAACGCAGC[C>G]GTACGCTCAGCTGTGCGCGTGGGCATTGCCGACGGCCACAGGATGCTCGCCATCTATGAT-3'
Protein context (NP_002618.1, residues 418-438): VGAPAAGMNA[Ala428=]VRSAVRVGIA